The following is an entry in ClinVar:

NM_000744.7(CHRNA4):c.817G>A (p.Glu273Lys)

Gene: CHRNA4 (cholinergic receptor nicotinic alpha 4 subunit; minus strand). Cytogenetic location: 20q13.33.
Variant type: single nucleotide variant.
Coding change: c.817G>A on transcript NM_000744.7 (MANE Select); coding-DNA position 817, G replaced by A.
Protein change: p.Glu273Lys; replaces glutamic acid 273 with lysine.
Molecular consequence: missense variant. On other transcripts: non-coding transcript variant (1).
Genome position (GRCh38, 1-based): chr20:63,350,594, C>T on the plus strand (G>A on the coding strand, the complement: CHRNA4 is on the minus strand). VCF-style: chr20-63350594-C-T. GRCh37 (hg19) VCF-style: chr20-61981946-C-T.
Other names: c.289G>A, p.Glu97Lys (NM_001256573.2); short protein forms E273K, E97K.
Identifiers: ClinVar variation 1005320 (VCV001005320.8), dbSNP rs758885593, ClinGen allele CA9957721.

ClinVar aggregate classification (germline): Uncertain significance (1 of 4 stars; one submission).

Conditions:
Familial sleep-related hypermotor epilepsy. Also called: Autosomal Dominant Sleep-Related Hypermotor (Hyperkinetic) Epilepsy. Identifiers: Orphanet 98784, MedGen C3696898, MONDO:0000030.

Allele frequency attached by ClinVar (database versions not stated): ExAC 0.00001; gnomAD exomes 0.00001 and 0.00002; TOPMed 0.00002; gnomAD 0.00003.
gnomAD v4.1: 14 of 1,613,684 alleles (0.00087%); highest among the groups gnomAD compares: African/African-American, 0.004%; no homozygotes.

Submission:

Labcorp Genetics (formerly Invitae), Labcorp
Classification: Uncertain significance. Last evaluated: 2025-10-11. Review status: criteria provided, single submitter. Criteria: Invitae Variant Classification Sherloc (09022015). Collection method: clinical testing. Allele origin: germline.
Comment: This sequence change replaces glutamic acid, which is acidic and polar, with lysine, which is basic and polar, at codon 273 of the CHRNA4 protein (p.Glu273Lys). This variant is present in population databases (rs758885593, gnomAD 0.007%). This variant has not been reported in the literature in individuals affected with CHRNA4-related conditions. This missense change has been observed in at least one individual who was not affected with CHRNA4-related conditions (internal data). ClinVar contains an entry for this variant (Variation ID: 1005320). Invitae Evidence Modeling of protein sequence and biophysical properties (such as structural, functional, and spatial information, amino acid conservation, physicochemical variation, residue mobility, and thermodynamic stability) indicates that this missense variant is expected to disrupt CHRNA4 protein function with a positive predictive value of 80%. In summary, the available evidence is currently insufficient to determine the role of this variant in disease. Therefore, it has been classified as a Variant of Uncertain Significance.